The following is an entry in ClinVar:

ClinVar aggregate classification (germline): Conflicting classifications of pathogenicity. Review status: criteria provided, conflicting classifications (1 of 4 stars). 2 submissions from 2 submitters: Uncertain significance (1); Likely benign (1). Last evaluated 2026-01-01.

Conditions:
Inborn genetic diseases. Identifiers: MedGen C0950123, MeSH D030342.

Submissions (2):

CeGaT Center for Human Genetics Tuebingen
Classification: Likely benign. Last evaluated: 2026-01-01. Review status: criteria provided, single submitter. Criteria: CeGaT Center For Human Genetics Tuebingen Variant Classification Criteria Version 2. Collection method: clinical testing. Allele origin: germline. Affected: yes. Observed: 1 variant allele.
Comment: ZMYM3: BS2

Ambry Genetics
Classification: Uncertain significance for Inborn genetic diseases. Last evaluated: 2024-11-13. Review status: criteria provided, single submitter. Criteria: Ambry Variant Classification Scheme 2023. Collection method: clinical testing. Allele origin: germline.

NM_201599.3(ZMYM3):c.292G>A (p.Gly98Ser)

Gene: ZMYM3 (zinc finger MYM-type containing 3; minus strand). Cytogenetic location: Xq13.1.
Variant type: single nucleotide variant.
Coding change: c.292G>A on transcript NM_201599.3 (MANE Select); coding-DNA position 292, G replaced by A.
Protein change: p.Gly98Ser; replaces glycine 98 with serine.
Molecular consequence: missense variant.
Genome position (GRCh38, 1-based): chrX:71,252,964, C>T on the plus strand (G>A on the coding strand, the complement: ZMYM3 is on the minus strand). VCF-style: chrX-71252964-C-T. GRCh37 (hg19) VCF-style: chrX-70472814-C-T.
Other names: c.292G>A, p.Gly98Ser (NM_001171162.1, NM_001171163.1, NM_005096.3); short protein forms G98S.
Identifiers: ClinVar variation 3474015 (VCV003474015.5).